The following is an entry in ClinVar:

NM_016616.5(NME8):c.33+4G>A

Gene: NME8 (NME/NM23 family member 8; plus strand). Cytogenetic location: 7p14.1.
Variant type: single nucleotide variant.
Coding change: c.33+4G>A on transcript NM_016616.5 (MANE Select); 4 bases into the intron after coding-DNA position 33, G replaced by A.
Molecular consequence: intron variant.
Genome position (GRCh38, 1-based): chr7:37,850,303, G>A. VCF-style: chr7-37850303-G-A. GRCh37 (hg19) VCF-style: chr7-37889905-G-A.
Identifiers: ClinVar variation 4811049 (VCV004811049.1).

ClinVar aggregate classification (germline): Uncertain significance (1 of 4 stars; one submission).

Conditions:
Primary ciliary dyskinesia 6. Also called: Primary Ciliary Dyskinesia 6: TXNDC3-Related Primary Ciliary Dyskinesia. Identifiers: Orphanet 244, MedGen C1970506, MONDO:0012571, OMIM 610852.

gnomAD v4.1: 1 of 1,614,084 alleles (0.000062%); no homozygotes.

Submission:

Labcorp Genetics (formerly Invitae), Labcorp
Classification: Uncertain significance for Primary ciliary dyskinesia 6. Last evaluated: 2025-08-18. Review status: criteria provided, single submitter. Criteria: Invitae Variant Classification Sherloc (09022015). Collection method: clinical testing. Allele origin: germline.
Comment: This sequence change falls in intron 3 of the NME8 gene. It does not directly change the encoded amino acid sequence of the NME8 protein. It affects a nucleotide within the consensus splice site. This variant is present in population databases (no rsID available, gnomAD 0.01%). This variant has not been reported in the literature in individuals affected with NME8-related conditions. Variants that disrupt the consensus splice site are a relatively common cause of aberrant splicing (PMID: 17576681, 9536098). Algorithms developed to predict the effect of sequence changes on RNA splicing suggest that this variant is not likely to affect RNA splicing. In summary, the available evidence is currently insufficient to determine the role of this variant in disease. Therefore, it has been classified as a Variant of Uncertain Significance.

Literature cited by the submitters: PubMed 17576681; PubMed 9536098.